The following is an entry in ClinVar:

ClinVar aggregate classification (germline): Uncertain significance (1 of 4 stars; one submission).

Submission:

GeneDx
Classification: Uncertain significance. Last evaluated: 2024-01-03. Review status: criteria provided, single submitter. Criteria: GeneDx Variant Classification Process June 2021. Collection method: clinical testing. Allele origin: germline. Affected: yes.
Comment: Not observed at significant frequency in large population cohorts (gnomAD); In silico analysis supports that this missense variant does not alter protein structure/function; Has not been previously published as pathogenic or benign to our knowledge

NM_015981.4(CAMK2A):c.54A>T (p.Glu18Asp)

Gene: CAMK2A (calcium/calmodulin dependent protein kinase II alpha; minus strand). Cytogenetic location: 5q32.
Variant type: single nucleotide variant.
Coding change: c.54A>T on transcript NM_015981.4 (MANE Select); coding-DNA position 54, A replaced by T.
Protein change: p.Glu18Asp; replaces glutamic acid 18 with aspartic acid.
Molecular consequence: missense variant.
Genome position (GRCh38, 1-based): chr5:150,289,572, T>A on the plus strand (A>T on the coding strand, the complement: CAMK2A is on the minus strand). VCF-style: chr5-150289572-T-A. GRCh37 (hg19) VCF-style: chr5-149669135-T-A.
Other names: c.54A>T, p.Glu18Asp (NM_001363989.1, NM_001363990.1, NM_001369025.2 and 1 more transcripts); short protein forms E18D.
Identifiers: ClinVar variation 3367261 (VCV003367261.1).